The following is an entry in ClinVar:

NM_000059.4(BRCA2):c.7110del (p.Lys2370fs)

Gene: BRCA2 (BRCA2 DNA repair associated; plus strand). Cytogenetic location: 13q13.1.
Variant type: Deletion.
Coding change: c.7110del on transcript NM_000059.4 (MANE Select); coding-DNA position 7110, one base deleted (A; older notation c.7110delA).
Protein change: p.Lys2370fs; shifts the reading frame from lysine 2370.
Molecular consequence: frameshift variant.
Genome position (GRCh38, 1-based): chr13:32,354,963, A deleted; the last of 5 consecutive A bases (chr13:32,354,959-32,354,963); deleting any one gives the same sequence. VCF-style (leftmost placement, unchanged base first): chr13-32354958-GA-G. GRCh37 (hg19) VCF-style: chr13-32929095-GA-G.
Other names: 7338delA; c.7110delA (NM_000059.3); short protein forms K2370fs.
Identifiers: ClinVar variation 52270 (VCV000052270.4), dbSNP rs80359638, ClinGen allele CA024879.

ClinVar aggregate classification (germline): Pathogenic. Review status: reviewed by expert panel (3 of 4 stars). 2 submissions from 2 submitters: Pathogenic (1). 1 of the submissions does not count toward it. Last evaluated 2016-09-08.

Conditions:
Breast-ovarian cancer, familial, susceptibility to, 2 (BROVCA2). Also called: BRCA2 Hereditary Breast and Ovarian Cancer. Identifiers: Orphanet 145, MedGen C2675520, MONDO:0012933, OMIM 612555. Disease mechanism: loss of function.

Submissions (2):

Evidence-based Network for the Interpretation of Germline Mutant Alleles (ENIGMA)
Classification: Pathogenic for Breast-ovarian cancer, familial, susceptibility to, 2. Last evaluated: 2016-09-08. Review status: reviewed by expert panel. Criteria: ENIGMA BRCA1/2 Classification Criteria (2015). Collection method: curation. Allele origin: germline.
Comment: Variant allele predicted to encode a truncated non-functional protein.

Breast Cancer Information Core (BIC) (BRCA2)
Classification: Pathogenic for Breast-ovarian cancer, familial 2. Last evaluated: 2012-05-24. Review status: no assertion criteria provided. Collection method: clinical testing. Allele origin: germline. Affected: yes. Observed: 1 variant allele. Not counted in ClinVar's aggregate classification.

Literature cited by the submitters: PubMed 22425665 (cited by Breast Cancer Information Core (BIC) (BRCA2)).